The following is an entry in ClinVar:

NM_000518.5(HBB):c.-48A>T

Genes: HBB (hemoglobin subunit beta; minus strand), LOC106099062 (HBB recombination region; plus strand), LOC107133510 (origin of replication at HBB; plus strand). Cytogenetic location: 11p15.4.
Variant type: single nucleotide variant.
Coding change: c.-48A>T on transcript NM_000518.5 (MANE Select); 48 bases upstream of the start codon, A replaced by T.
Molecular consequence: 5 prime UTR variant.
Genome position (GRCh38, 1-based): chr11:5,227,069, T>A on the plus strand (A>T on the coding strand, the complement: HBB is on the minus strand). VCF-style: chr11-5227069-T-A. GRCh37 (hg19) VCF-style: chr11-5248299-T-A.
Identifiers: ClinVar variation 4689563 (VCV004689563.1).
Genomic context (GRCh38, chr11:5,227,069, plus strand): 5'-TCAGATGCACCATGGTGTCTGTTTGAGGTTGCTAGTGAACACAGTTGTGTCAGAAGCAAA[T>A]GTAAGCAATAGATGGCTCTGCCCTGACTTTTATGCCCAGCCCTGGCTCCTGCCCTCCCTG-3'

ClinVar aggregate classification (germline): Uncertain significance (1 of 4 stars; one submission).

Submission:

Women's Health and Genetics/Laboratory Corporation of America, LabCorp
Classification: Uncertain significance. Last evaluated: 2026-01-07. Review status: criteria provided, single submitter. Criteria: LabCorp Variant Classification Summary - May 2015. Collection method: clinical testing. Allele origin: germline.
Comment: Variant summary: HBB c.-48A>T (also known as Cap +3 A>T) is located in the untranslated mRNA region upstream of the initiation codon, and involves the alteration of a non-conserved nucleotide, which lies in the transcription initiation site (also known as cap-site). The variant was absent in 249250 control chromosomes (gnomAD). The variant, c.-48A>T, has been observed in compound heterozygous state in an individual affected with Beta Thalassemia Intermedia, who carried a beta-null allele in trans (Dan_2011, no PMID), and in at least another individual, who was affected with Hemoglobin S-beta-thalassemia (Dehury_2019). These data indicate that the variant may be associated with disease. To our knowledge, no experimental evidence demonstrating an impact on protein function has been reported. The following publications have been ascertained in the context of this evaluation (PMID: 31190580). No submitters have cited clinical-significance assessments for this variant to ClinVar. Based on the evidence outlined above, the variant was classified as VUS-possibly pathogenic.

Literature cited by the submitters: PubMed 31190580.